The following is an entry in ClinVar:

ClinVar aggregate classification (germline): Uncertain significance (1 of 4 stars; one submission).

gnomAD v4.1: 2 of 1,612,344 alleles (0.00012%); highest among the groups gnomAD compares: African/African-American, 0.0027%; no homozygotes.

Submission:

Labcorp Genetics (formerly Invitae), Labcorp
Classification: Uncertain significance. Last evaluated: 2025-05-26. Review status: criteria provided, single submitter. Criteria: Invitae Variant Classification Sherloc (09022015). Collection method: clinical testing. Allele origin: germline.
Comment: This sequence change replaces asparagine, which is neutral and polar, with tyrosine, which is neutral and polar, at codon 1053 of the ADNP protein (p.Asn1053Tyr). This variant is not present in population databases (gnomAD no frequency). This variant has not been reported in the literature in individuals affected with ADNP-related conditions. An algorithm developed to predict the effect of missense changes on protein structure and function (PolyPhen-2) suggests that this variant is likely to be tolerated. In summary, the available evidence is currently insufficient to determine the role of this variant in disease. Therefore, it has been classified as a Variant of Uncertain Significance.

NM_001282531.3(ADNP):c.3157A>T (p.Asn1053Tyr)

Gene: ADNP (activity dependent neuroprotector homeobox; minus strand). Cytogenetic location: 20q13.13.
Variant type: single nucleotide variant.
Coding change: c.3157A>T on transcript NM_001282531.3 (MANE Select); coding-DNA position 3157, A replaced by T.
Protein change: p.Asn1053Tyr; replaces asparagine 1053 with tyrosine.
Molecular consequence: missense variant.
Genome position (GRCh38, 1-based): chr20:50,891,557, T>A on the plus strand (A>T on the coding strand, the complement: ADNP is on the minus strand). VCF-style: chr20-50891557-T-A. GRCh37 (hg19) VCF-style: chr20-49508094-T-A.
Other names: c.3157A>T, p.Asn1053Tyr (NM_001282532.2, NM_001347511.2, NM_015339.5 and 1 more transcripts); c.3373A>T, p.Asn1125Tyr (NM_001439000.1); c.2473A>T, p.Asn825Tyr (NM_001439001.1); short protein forms N1125Y, N825Y, N1053Y.
Identifiers: ClinVar variation 4774134 (VCV004774134.1).